The following is an entry in ClinVar:

NM_015978.3(TNNI3K):c.1787T>C (p.Leu596Pro)

Genes: FPGT-TNNI3K (FPGT-TNNI3K readthrough; plus strand), TNNI3K (TNNI3 interacting kinase; plus strand). Cytogenetic location: 1p31.1.
Variant type: single nucleotide variant.
Coding change: c.1787T>C on transcript NM_015978.3 (MANE Select); coding-DNA position 1787, T replaced by C.
Protein change: p.Leu596Pro; replaces leucine 596 with proline.
Molecular consequence: missense variant.
Genome position (GRCh38, 1-based): chr1:74,436,094, T>C. VCF-style: chr1-74436094-T-C. GRCh37 (hg19) VCF-style: chr1-74901778-T-C.
Other names: c.2090T>C, p.Leu697Pro (NM_001112808.3, NM_001199327.2); short protein forms L596P, L697P.
Identifiers: ClinVar variation 1971760 (VCV001971760.6), dbSNP rs201476324, ClinGen allele CA909432.

ClinVar aggregate classification (germline): Uncertain significance. Review status: criteria provided, multiple submitters, no conflicts (2 of 4 stars). 2 submissions from 2 submitters: Uncertain significance (2). Last evaluated 2024-08-13.

Allele frequency attached by ClinVar (database versions not stated): TOPMed below 0.00001; gnomAD exomes 0.00001; ExAC 0.00002; ESP Exome Variant Server 0.00008.
gnomAD v4.1: 5 of 1,605,908 alleles (0.00031%); highest among the groups gnomAD compares: Non-Finnish European, 0.00042%; no homozygotes.

Submissions (2):

Labcorp Genetics (formerly Invitae), Labcorp
Classification: Uncertain significance. Last evaluated: 2024-08-13. Review status: criteria provided, single submitter. Criteria: Invitae Variant Classification Sherloc (09022015). Collection method: clinical testing. Allele origin: germline.
Comment: This sequence change replaces leucine, which is neutral and non-polar, with proline, which is neutral and non-polar, at codon 596 of the TNNI3K protein (p.Leu596Pro). This variant is present in population databases (rs201476324, gnomAD 0.003%). This variant has not been reported in the literature in individuals affected with TNNI3K-related conditions. ClinVar contains an entry for this variant (Variation ID: 1971760). An algorithm developed to predict the effect of missense changes on protein structure and function (PolyPhen-2) suggests that this variant is likely to be disruptive. In summary, the available evidence is currently insufficient to determine the role of this variant in disease. Therefore, it has been classified as a Variant of Uncertain Significance.

Blueprint Genetics
Classification: Uncertain significance. Last evaluated: 2024-04-26. Review status: criteria provided, single submitter. Criteria: ACMG Guidelines, 2015. Collection method: clinical testing. Allele origin: germline.